The following is an entry in ClinVar:

ClinVar aggregate classification (germline): Uncertain significance (1 of 4 stars; one submission).

gnomAD v4.1: 33 of 1,613,092 alleles (0.002%); highest among the groups gnomAD compares: East Asian, 0.0067%; no homozygotes.

Submission:

Labcorp Genetics (formerly Invitae), Labcorp
Classification: Uncertain significance. Last evaluated: 2022-07-27. Review status: criteria provided, single submitter. Criteria: Invitae Variant Classification Sherloc (09022015). Collection method: clinical testing. Allele origin: germline.
Comment: This sequence change replaces glycine, which is neutral and non-polar, with arginine, which is basic and polar, at codon 377 of the PKDCC protein (p.Gly377Arg). This variant is present in population databases (rs139834357, gnomAD 0.007%). This variant has not been reported in the literature in individuals affected with PKDCC-related conditions. Algorithms developed to predict the effect of missense changes on protein structure and function are either unavailable or do not agree on the potential impact of this missense change (SIFT: "Deleterious"; PolyPhen-2: "Benign"; Align-GVGD: "Class C25"). In summary, the available evidence is currently insufficient to determine the role of this variant in disease. Therefore, it has been classified as a Variant of Uncertain Significance.

NM_138370.3(PKDCC):c.1129G>C (p.Gly377Arg)

Gene: PKDCC (protein kinase domain containing, cytoplasmic; plus strand). Cytogenetic location: 2p21.
Variant type: single nucleotide variant.
Coding change: c.1129G>C on transcript NM_138370.3 (MANE Select); coding-DNA position 1129, G replaced by C.
Protein change: p.Gly377Arg; replaces glycine 377 with arginine.
Molecular consequence: missense variant.
Genome position (GRCh38, 1-based): chr2:42,055,300, G>C. VCF-style: chr2-42055300-G-C. GRCh37 (hg19) VCF-style: chr2-42282440-G-C.
Other names: short protein forms G377R.
Identifiers: ClinVar variation 1911981 (VCV001911981.2), dbSNP rs139834357, ClinGen allele CA1628153.